The following is an entry in ClinVar:

ClinVar aggregate classification (germline): Uncertain significance. Review status: criteria provided, multiple submitters, no conflicts (2 of 4 stars). 2 submissions from 2 submitters: Uncertain significance (2). Last evaluated 2025-04-17.

Conditions:
Hereditary cancer-predisposing syndrome. Also called: Hereditary neoplastic syndrome; Tumor predisposition; Neoplastic Syndromes, Hereditary; Hereditary Cancer Syndrome. Identifiers: Orphanet 140162, MedGen C0027672, MeSH D009386, MONDO:0015356.

Submissions (2):

Labcorp Genetics (formerly Invitae), Labcorp
Classification: Uncertain significance. Last evaluated: 2025-04-17. Review status: criteria provided, single submitter. Criteria: Invitae Variant Classification Sherloc (09022015). Collection method: clinical testing. Allele origin: germline.
Comment: This sequence change replaces valine, which is neutral and non-polar, with isoleucine, which is neutral and non-polar, at codon 134 of the POLE protein (p.Val134Ile). This variant is not present in population databases (gnomAD no frequency). This variant has not been reported in the literature in individuals affected with POLE-related conditions. ClinVar contains an entry for this variant (Variation ID: 954125). Invitae Evidence Modeling of protein sequence and biophysical properties (such as structural, functional, and spatial information, amino acid conservation, physicochemical variation, residue mobility, and thermodynamic stability) indicates that this missense variant is not expected to disrupt POLE protein function with a negative predictive value of 80%. In summary, the available evidence is currently insufficient to determine the role of this variant in disease. Therefore, it has been classified as a Variant of Uncertain Significance.

Ambry Genetics
Classification: Uncertain significance for Hereditary cancer-predisposing syndrome. Last evaluated: 2023-07-12. Review status: criteria provided, single submitter. Criteria: Ambry Variant Classification Scheme 2023. Collection method: clinical testing. Allele origin: germline.
Comment: The p.V134I variant (also known as c.400G>A), located in coding exon 5 of the POLE gene, results from a G to A substitution at nucleotide position 400. The valine at codon 134 is replaced by isoleucine, an amino acid with highly similar properties. This amino acid position is conserved. In addition, this alteration is predicted to be tolerated by in silico analysis. Since supporting evidence is limited at this time, the clinical significance of this alteration remains unclear.

NM_006231.4(POLE):c.400G>A (p.Val134Ile)

Gene: POLE (DNA polymerase epsilon, catalytic subunit; minus strand). Cytogenetic location: 12q24.33.
Variant type: single nucleotide variant.
Coding change: c.400G>A on transcript NM_006231.4 (MANE Select); coding-DNA position 400, G replaced by A.
Protein change: p.Val134Ile; replaces valine 134 with isoleucine.
Molecular consequence: missense variant.
Genome position (GRCh38, 1-based): chr12:132,679,977, C>T on the plus strand (G>A on the coding strand, the complement: POLE is on the minus strand). VCF-style: chr12-132679977-C-T. GRCh37 (hg19) VCF-style: chr12-133256563-C-T.
Other names: c.400G>A (NM_006231.2); short protein forms V134I.
Identifiers: ClinVar variation 954125 (VCV000954125.11), dbSNP rs993907370, ClinGen allele CA246302319.